The following is an entry in ClinVar:

NM_005267.5(GJA8):c.603G>C (p.Glu201Asp)

Gene: GJA8 (gap junction protein alpha 8; plus strand). Cytogenetic location: 1q21.2.
Variant type: single nucleotide variant.
Coding change: c.603G>C on transcript NM_005267.5 (MANE Select); coding-DNA position 603, G replaced by C.
Protein change: p.Glu201Asp; replaces glutamic acid 201 with aspartic acid.
Molecular consequence: missense variant.
Genome position (GRCh38, 1-based): chr1:147,908,558, G>C. VCF-style: chr1-147908558-G-C. GRCh37 (hg19) VCF-style: chr1-147380685-G-C.
Other names: short protein forms E201D.
Identifiers: ClinVar variation 3361299 (VCV003361299.1).

ClinVar aggregate classification (germline): Uncertain significance (1 of 4 stars; one submission).

Submission:

GeneDx
Classification: Uncertain significance. Last evaluated: 2023-07-21. Review status: criteria provided, single submitter. Criteria: GeneDx Variant Classification Process June 2021. Collection method: clinical testing. Allele origin: germline. Affected: yes.
Comment: Not observed at significant frequency in large population cohorts (gnomAD); In silico analysis supports that this missense variant has a deleterious effect on protein structure/function; Has not been previously published as pathogenic or benign to our knowledge